The following is an entry in ClinVar:

NM_001242896.3(DEPDC5):c.2170+1G>A

Gene: DEPDC5 (DEP domain containing 5, GATOR1 subcomplex subunit; plus strand). Cytogenetic location: 22q12.3.
Variant type: single nucleotide variant.
Coding change: c.2170+1G>A on transcript NM_001242896.3 (MANE Select); the canonical splice donor site of the intron after coding-DNA position 2170, G replaced by A.
Molecular consequence: splice donor variant.
Genome position (GRCh38, 1-based): chr22:31,833,981, G>A. VCF-style: chr22-31833981-G-A. GRCh37 (hg19) VCF-style: chr22-32229967-G-A.
Other names: c.2170+1G>A (NM_001364318.2, NM_001136029.4, NM_014662.6 and 3 more transcripts); c.1936+1G>A (NM_001363854.2, NM_001242897.2, NM_001364319.2); c.2086+1G>A (NM_001369902.1, NM_001369901.1).
Identifiers: ClinVar variation 1348258 (VCV001348258.26), dbSNP rs2148924638, ClinGen allele CA411284370.

ClinVar aggregate classification (germline): Conflicting classifications of pathogenicity. Review status: criteria provided, conflicting classifications (1 of 4 stars). 3 submissions from 3 submitters: Likely pathogenic (2); Uncertain significance (1). Last evaluated 2024-12-09.

Conditions:
Familial focal epilepsy with variable foci (FPEVF). Identifiers: Orphanet 98820, MedGen C1858477, MONDO:0020310.

gnomAD v4.1: 1 of 1,613,708 alleles (0.000062%); highest among the groups gnomAD compares: Non-Finnish European, 0.000085%; no homozygotes.

Submissions (3):

GeneDx
Classification: Likely pathogenic. Last evaluated: 2024-12-09. Review status: criteria provided, single submitter. Criteria: GeneDx Variant Classification Process June 2021. Collection method: clinical testing. Allele origin: germline. Affected: yes.
Comment: Canonical splice site variant predicted to result in an in-frame loss of the adjacent exon in a gene for which loss of function is a known mechanism of disease; Not observed at significant frequency in large population cohorts (gnomAD); Has not been previously published as pathogenic or benign to our knowledge

CeGaT Center for Human Genetics Tuebingen
Classification: Uncertain significance. Last evaluated: 2024-08-01. Review status: criteria provided, single submitter. Criteria: CeGaT Center For Human Genetics Tuebingen Variant Classification Criteria Version 2. Collection method: clinical testing. Allele origin: germline. Affected: yes. Observed: 2 variant alleles.
Comment: DEPDC5: PM2, PVS1:Moderate

Labcorp Genetics (formerly Invitae), Labcorp
Classification: Likely pathogenic for Familial focal epilepsy with variable foci. Last evaluated: 2021-12-08. Review status: criteria provided, single submitter. Criteria: Invitae Variant Classification Sherloc (09022015). Collection method: clinical testing. Allele origin: germline.
Comment: This sequence change affects a donor splice site in intron 25 of the DEPDC5 gene. It is expected to disrupt RNA splicing. Variants that disrupt the donor or acceptor splice site typically lead to a loss of protein function (PMID: 16199547), and loss-of-function variants in DEPDC5 are known to be pathogenic (PMID: 23542697, 23542701). This variant is not present in population databases (gnomAD no frequency). This variant has not been reported in the literature in individuals affected with DEPDC5-related conditions. Algorithms developed to predict the effect of sequence changes on RNA splicing suggest that this variant may disrupt the consensus splice site. In summary, the currently available evidence indicates that the variant is pathogenic, but additional data are needed to prove that conclusively. Therefore, this variant has been classified as Likely Pathogenic.

Literature cited by the submitters: PubMed 16199547 (cited by Labcorp Genetics (formerly Invitae), Labcorp); PubMed 23542697 (cited by Labcorp Genetics (formerly Invitae), Labcorp); PubMed 23542701 (cited by Labcorp Genetics (formerly Invitae), Labcorp).